The following is an entry in ClinVar:

ClinVar aggregate classification (germline): Pathogenic. Review status: criteria provided, multiple submitters, no conflicts (2 of 4 stars). 2 submissions from 2 submitters: Pathogenic (2). Last evaluated 2023-09-21.

Conditions:
Hereditary breast ovarian cancer syndrome. Also called: BRCA1- and BRCA2-Associated Hereditary Breast and Ovarian Cancer; Hereditary breast and ovarian cancer; Hereditary breast and ovarian cancer syndrome (HBOC); Breast and ovarian cancer; Hereditary breast and ovarian cancer syndrome; Hereditary breast and/or ovarian cancer syndrome. Identifiers: Orphanet 145, MedGen C0677776, MeSH D061325, MONDO:0003582. Disease mechanism: loss of function.
Hereditary cancer-predisposing syndrome. Also called: Hereditary neoplastic syndrome; Tumor predisposition; Hereditary Cancer Syndrome; Neoplastic Syndromes, Hereditary. Identifiers: Orphanet 140162, MedGen C0027672, MeSH D009386, MONDO:0015356.

Submissions (2):

Women's Health and Genetics/Laboratory Corporation of America, LabCorp
Classification: Pathogenic for Hereditary breast ovarian cancer syndrome. Last evaluated: 2023-09-21. Review status: criteria provided, single submitter. Criteria: LabCorp Variant Classification Summary - May 2015. Collection method: clinical testing. Allele origin: germline.
Comment: Variant summary: BRCA1 c.1432_1441dup10 (p.Leu481HisfsX2) results in a premature termination codon, predicted to cause a truncation of the encoded protein or absence of the protein due to nonsense mediated decay, which are commonly known mechanisms for disease. The variant was absent in 251286 control chromosomes. To our knowledge, no occurrence of c.1432_1441dup10 in individuals affected with Hereditary Breast And Ovarian Cancer Syndrome and no experimental evidence demonstrating its impact on protein function have been reported. No submitters have cited clinical-significance assessments for this variant to ClinVar after 2014. Based on the evidence outlined above, the variant was classified as pathogenic.

Ambry Genetics
Classification: Pathogenic for Hereditary cancer-predisposing syndrome. Last evaluated: 2023-09-09. Review status: criteria provided, single submitter. Criteria: Ambry Variant Classification Scheme 2023. Collection method: clinical testing. Allele origin: germline.
Comment: The c.1432_1441dup10 variant, located in coding exon 9 of the BRCA1 gene, results from a duplication of ACTGAAAATC at nucleotide position 1432, causing a translational frameshift with a predicted alternate stop codon (p.L481Hfs*2). This alteration is expected to result in loss of function by premature protein truncation or nonsense-mediated mRNA decay. As such, this alteration is interpreted as a disease-causing mutation.

NM_007294.4(BRCA1):c.1432_1441dup (p.Leu481delinsHisTer)

Gene: BRCA1 (BRCA1 DNA repair associated; minus strand). Cytogenetic location: 17q21.31.
Variant type: Duplication.
Coding change: c.1432_1441dup on transcript NM_007294.4 (MANE Select); coding-DNA positions 1432 to 1441, 10 bases duplicated (ACTGAAAATC; older notation c.1432_1441dupACTGAAAATC).
Protein change: p.Leu481delinsHisTer.
Molecular consequence: nonsense. On other transcripts: intron variant (137), frameshift variant (1).
Genome position (GRCh38, 1-based): chr17:43,094,090-43,094,099, GATTTTCAGT duplicated on the plus strand (ACTGAAAATC on the coding strand, the reverse complement: BRCA1 is on the minus strand). VCF-style (leftmost placement, unchanged base first): chr17-43094089-A-AGATTTTCAGT. GRCh37 (hg19) VCF-style: chr17-41246106-A-AGATTTTCAGT.
Other names: c.1288_1297dup, p.Leu433delinsHisTer (NM_001407741.1, NM_001407742.1, NM_001407743.1 and 20 more transcripts); c.1291_1300dup, p.Leu434delinsHisTer (NM_001407750.1, NM_001407751.1, NM_001407752.1 and 29 more transcripts); c.1219_1228dup, p.Leu410delinsHisTer (NM_001407853.1, NM_001407894.1, NM_001407895.1 and 9 more transcripts); c.1432_1441dup, p.Leu481delinsHisTer (NM_001407854.1, NM_001407858.1, NM_001407859.1 and 30 more transcripts); c.1429_1438dup, p.Leu480delinsHisTer (NM_001407860.1, NM_001407861.1, NM_001407587.1 and 22 more transcripts); c.1231_1240dup, p.Leu414delinsHisTer (NM_001407862.1); c.1309_1318dup, p.Leu440delinsHisTer (NM_001407863.1, NM_001407919.1, NM_001407937.1 and 19 more transcripts); c.1228_1237dup, p.Leu413delinsHisTer (NM_001407874.1, NM_001407875.1); and 42 more.
Identifiers: ClinVar variation 2585850 (VCV002585850.2), dbSNP rs2552209059, ClinGen allele CA2582342180.